The following is an entry in ClinVar:

ClinVar aggregate classification (germline): Likely benign (0 of 4 stars; one submission).

Conditions:
PKD1-related disorder. Also called: PKD1-related condition.

Allele frequency attached by ClinVar (database versions not stated): gnomAD exomes below 0.00001.
gnomAD v4.1: 1 of 1,608,270 alleles (0.000062%); highest among the groups gnomAD compares: East Asian, 0.0022%; no homozygotes.

Submission:

PreventionGenetics, part of Exact Sciences
Classification: Likely benign for PKD1-related condition. Last evaluated: 2023-09-27. Review status: no assertion criteria provided. Collection method: clinical testing. Allele origin: germline.
Comment: This variant is classified as likely benign based on ACMG/AMP sequence variant interpretation guidelines (Richards et al. 2015 PMID: 25741868, with internal and published modifications).

NM_001009944.3(PKD1):c.10296C>T (p.Ser3432=)

Gene: PKD1 (polycystin 1, transient receptor potential channel interacting; minus strand). Cytogenetic location: 16p13.3.
Variant type: single nucleotide variant.
Coding change: c.10296C>T on transcript NM_001009944.3 (MANE Select); coding-DNA position 10296, C replaced by T.
Protein change: p.Ser3432=; no amino-acid change (serine 3432 retained).
Molecular consequence: synonymous variant.
Genome position (GRCh38, 1-based): chr16:2,097,428, G>A on the plus strand (C>T on the coding strand, the complement: PKD1 is on the minus strand). VCF-style: chr16-2097428-G-A. GRCh37 (hg19) VCF-style: chr16-2147429-G-A.
Other names: c.10293C>T, p.Ser3431= (NM_000296.4).
Identifiers: ClinVar variation 3039614 (VCV003039614.2), dbSNP rs1209470071, ClinGen allele CA493045326.